The following is an entry in ClinVar:

NM_000540.3(RYR1):c.2786+247C>T

Gene: RYR1 (ryanodine receptor 1; plus strand). Cytogenetic location: 19q13.2.
Variant type: single nucleotide variant.
Coding change: c.2786+247C>T on transcript NM_000540.3 (MANE Select); 247 bases into the intron after coding-DNA position 2786, C replaced by T.
Molecular consequence: intron variant.
Genome position (GRCh38, 1-based): chr19:38,464,097, C>T. VCF-style: chr19-38464097-C-T. GRCh37 (hg19) VCF-style: chr19-38954737-C-T.
Other names: c.2786+247C>T (NM_001042723.2).
Identifiers: ClinVar variation 679972 (VCV000679972.1), dbSNP rs111370077, ClinGen allele CA308074752.

ClinVar aggregate classification (germline): Likely benign (1 of 4 stars; one submission).

Allele frequency attached by ClinVar (database versions not stated): gnomAD 0.00487 and 0.00519; TOPMed 0.00582; 1000 Genomes Project 0.00739; 1000 Genomes Project 30x 0.00859.
gnomAD v4.1: 737 of 151,630 alleles (0.49%); highest among the groups gnomAD compares: African/African-American, 1.6%; 6 homozygotes.

Submission:

GeneDx
Classification: Likely benign. Last evaluated: 2018-06-16. Review status: criteria provided, single submitter. Criteria: GeneDx Variant Classification (06012015). Collection method: clinical testing. Allele origin: germline. Affected: yes.
Comment: This variant is considered likely benign or benign based on one or more of the following criteria: it is a conservative change, it occurs at a poorly conserved position in the protein, it is predicted to be benign by multiple in silico algorithms, and/or has population frequency not consistent with disease.